The following is an entry in ClinVar:

ClinVar aggregate classification (germline): Benign (1 of 4 stars; one submission).

Conditions:
Essential fructosuria. Also called: HEPATIC FRUCTOKINASE DEFICIENCY; KETOHEXOKINASE DEFICIENCY. Identifiers: Orphanet 2056, MedGen C0268160, MONDO:0009252, OMIM 229800.

Allele frequency attached by ClinVar (database versions not stated): gnomAD exomes 0.00031; gnomAD 0.00336 and 0.00364; TOPMed 0.00370; 1000 Genomes Project 0.00519; 1000 Genomes Project 30x 0.00578.
gnomAD v4.1: 822 of 1,167,508 alleles (0.07%); highest among the groups gnomAD compares: African/African-American, 1.1%; 4 homozygotes.

Submission:

Illumina Laboratory Services, Illumina
Classification: Benign for Essential fructosuria. Last evaluated: 2018-01-13. Review status: criteria provided, single submitter. Criteria: ICSL Variant Classification Criteria 13 December 2019. Collection method: clinical testing. Allele origin: germline.
Comment: This variant was observed in the ICSL laboratory as part of a predisposition screen in an ostensibly healthy population. It had not been previously curated by ICSL or reported in the Human Gene Mutation Database (HGMD: prior to June 1st, 2018), and was therefore a candidate for classification through an automated scoring system. Utilizing variant allele frequency, disease prevalence and penetrance estimates, and inheritance mode, an automated score was calculated to assess if this variant is too frequent to cause the disease. Based on the score and internal cut-off values, a variant classified as benign is not then subjected to further curation. The score for this variant resulted in a classification of benign for this disease.

NM_006488.3(KHK):c.*1008G>A

Genes: CGREF1 (cell growth regulator with EF-hand domain 1; minus strand), KHK (ketohexokinase; plus strand). Cytogenetic location: 2p23.3.
Variant type: single nucleotide variant.
Coding change: c.*1008G>A on transcript NM_006488.3 (MANE Select); 1008 bases downstream of the stop codon, G replaced by A.
Molecular consequence: 3 prime UTR variant. On other transcripts: intron variant (2).
Genome position (GRCh38, 1-based): chr2:27,100,758, G>A. VCF-style: chr2-27100758-G-A. GRCh37 (hg19) VCF-style: chr2-27323626-G-A.
Other names: c.*516C>T (NM_001166239.2, NM_006569.6); c.*1008G>A (NM_000221.3); c.287-216C>T (NM_001301324.2); c.343-918C>T (NM_001166240.2).
Identifiers: ClinVar variation 896845 (VCV000896845.4), dbSNP rs114062151, ClinGen allele CA44473467.